The following is an entry in ClinVar:

NM_003492.3(TMEM187):c.123C>T (p.Ala41=)

Gene: TMEM187 (transmembrane protein 187; plus strand). Cytogenetic location: Xq28.
Variant type: single nucleotide variant.
Coding change: c.123C>T on transcript NM_003492.3 (MANE Select); coding-DNA position 123, C replaced by T.
Protein change: p.Ala41=; no amino-acid change (alanine 41 retained).
Molecular consequence: synonymous variant.
Genome position (GRCh38, 1-based): chrX:153,982,185, C>T. VCF-style: chrX-153982185-C-T. GRCh37 (hg19) VCF-style: chrX-153247636-C-T.
Identifiers: ClinVar variation 2661778 (VCV002661778.24), dbSNP rs782722162, ClinGen allele CA10557798.

ClinVar aggregate classification (germline): Likely benign (1 of 4 stars; one submission).

Allele frequency attached by ClinVar (database versions not stated): gnomAD 0.00001; gnomAD exomes 0.00003; ExAC 0.00005.

Submission:

CeGaT Center for Human Genetics Tuebingen
Classification: Likely benign. Last evaluated: 2023-04-01. Review status: criteria provided, single submitter. Criteria: CeGaT Center For Human Genetics Tuebingen Variant Classification Criteria Version 2. Collection method: clinical testing. Allele origin: germline. Affected: yes. Observed: 1 variant allele.
Comment: TMEM187: BP4, BP7, BS2